The following is an entry in ClinVar:

ClinVar aggregate classification (germline): Likely benign (0 of 4 stars; one submission).

Conditions:
MVK-related disorder. Also called: MVK-related disorders; MVK-related condition. Identifiers: MedGen CN239294.

Submission:

PreventionGenetics, part of Exact Sciences
Classification: Likely benign for MVK-related condition. Last evaluated: 2023-08-11. Review status: no assertion criteria provided. Collection method: clinical testing. Allele origin: germline.
Comment: This variant is classified as likely benign based on ACMG/AMP sequence variant interpretation guidelines (Richards et al. 2015 PMID: 25741868, with internal and published modifications).

NM_000431.4(MVK):c.1170G>A (p.Gln390=)

Gene: MVK (mevalonate kinase; plus strand). Cytogenetic location: 12q24.11.
Variant type: single nucleotide variant.
Coding change: c.1170G>A on transcript NM_000431.4 (MANE Select); coding-DNA position 1170, G replaced by A.
Protein change: p.Gln390=; no amino-acid change (glutamine 390 retained).
Molecular consequence: synonymous variant. On other transcripts: 3 prime UTR variant (2), non-coding transcript variant (4).
Genome position (GRCh38, 1-based): chr12:109,596,556, G>A. VCF-style: chr12-109596556-G-A. GRCh37 (hg19) VCF-style: chr12-110034361-G-A.
Other names: c.1170G>A, p.Gln390= (NM_001114185.3, NM_001414511.1); c.1014G>A, p.Gln338= (NM_001301182.2); c.1245G>A, p.Gln415= (NM_001414512.1); c.*89G>A (NM_001414513.1, NM_001414514.1); c.588G>A, p.Gln196= (NM_001414515.1).
Identifiers: ClinVar variation 3049683 (VCV003049683.2), dbSNP rs2548643104, ClinGen allele CA481715515.